The following is an entry in ClinVar:

ClinVar aggregate classification (germline): Uncertain significance (1 of 4 stars; one submission).

Conditions:
Hereditary cancer-predisposing syndrome. Also called: Neoplastic Syndromes, Hereditary; Tumor predisposition; Hereditary Cancer Syndrome; Hereditary neoplastic syndrome. Identifiers: Orphanet 140162, MedGen C0027672, MeSH D009386, MONDO:0015356.

Submission:

Ambry Genetics
Classification: Uncertain significance for Hereditary cancer-predisposing syndrome. Last evaluated: 2025-08-20. Review status: criteria provided, single submitter. Criteria: Ambry Variant Classification Scheme 2023. Collection method: clinical testing. Allele origin: germline.
Comment: The p.E745A variant (also known as c.2234A>C), located in coding exon 9 of the BRCA1 gene, results from an A to C substitution at nucleotide position 2234. The glutamic acid at codon 745 is replaced by alanine, an amino acid with dissimilar properties. This amino acid position is conserved. In addition, this alteration is predicted to be tolerated by in silico analysis. Based on the available evidence, the clinical significance of this variant remains unclear.

NM_007294.4(BRCA1):c.2234A>C (p.Glu745Ala)

Gene: BRCA1 (BRCA1 DNA repair associated; minus strand). Cytogenetic location: 17q21.31.
Variant type: single nucleotide variant.
Coding change: c.2234A>C on transcript NM_007294.4 (MANE Select); coding-DNA position 2234, A replaced by C.
Protein change: p.Glu745Ala; replaces glutamic acid 745 with alanine.
Molecular consequence: missense variant. On other transcripts: intron variant (137).
Genome position (GRCh38, 1-based): chr17:43,093,297, T>G on the plus strand (A>C on the coding strand, the complement: BRCA1 is on the minus strand). VCF-style: chr17-43093297-T-G. GRCh37 (hg19) VCF-style: chr17-41245314-T-G.
Other names: c.2093A>C, p.Glu698Ala (NM_001407727.1, NM_001407737.1, NM_001407738.1 and 29 more transcripts); c.2108A>C, p.Glu703Ala (NM_001407670.1, NM_001407671.1, NM_001407672.1 and 11 more transcripts); c.2090A>C, p.Glu697Ala (NM_001407740.1, NM_001407741.1, NM_001407742.1 and 20 more transcripts); c.2111A>C, p.Glu704Ala (NM_001407683.1, NM_001407919.1, NM_001407937.1 and 19 more transcripts); c.2234A>C, p.Glu745Ala (NM_001407684.1, NM_001407616.1, NM_001407617.1 and 30 more transcripts); c.2030A>C, p.Glu677Ala (NM_001407875.1, NM_001407874.1); c.2024A>C, p.Glu675Ala (NM_001407879.1, NM_001407881.1, NM_001407882.1 and 13 more transcripts); c.2021A>C, p.Glu674Ala (NM_001407894.1, NM_001407915.1, NM_001407916.1 and 9 more transcripts); and 41 more; short protein forms E657A, E674A, E675A, E678A, E704A, E618A, E744A, E745A.
Identifiers: ClinVar variation 4215116 (VCV004215116.1).